The following is an entry in ClinVar:

NM_004985.5(KRAS):c.35G>T (p.Gly12Val)

Gene: KRAS (KRas proto-oncogene, GTPase; minus strand). Cytogenetic location: 12p12.1.
Variant type: single nucleotide variant.
Coding change: c.35G>T on transcript NM_004985.5 (MANE Select); coding-DNA position 35, G replaced by T.
Protein change: p.Gly12Val; replaces glycine 12 with valine.
Molecular consequence: missense variant.
Genome position (GRCh38, 1-based): chr12:25,245,350, C>A on the plus strand (G>T on the coding strand, the complement: KRAS is on the minus strand). VCF-style: chr12-25245350-C-A. GRCh37 (hg19) VCF-style: chr12-25398284-C-A.
Other names: p.G12V:GGT>GTT; NP_004976.2:p.Gly12Val; c.35G>T, p.Gly12Val (NM_001369786.1, NM_001369787.1, NM_033360.4); short protein forms G12V.
Identifiers: ClinVar variation 12583 (VCV000012583.80), dbSNP rs121913529, ClinGen allele CA122540.

ClinVar aggregate classification (germline): Pathogenic. Review status: criteria provided, multiple submitters, no conflicts (2 of 4 stars). 16 submissions from 12 submitters: Pathogenic (8). 8 of the submissions do not count toward it. Last evaluated 2025-06-24.
ClinVar aggregate classification (somatic clinical impact): Tier I - Strong. Review status: criteria provided, single submitter (1 of 4 stars). 4 submissions from 2 submitters. 1 of the submissions does not count toward it. Last evaluated 2025-07-14.
ClinVar aggregate classification (oncogenicity): Oncogenic (1 of 4 stars; one submission).

Conditions:
KRAS-related disorder. Also called: KRAS-related disorders; KRAS-related condition.
Lung sarcomatoid carcinoma. Identifiers: MONDO:0006279, MedGen C1708781.
RASopathy. Also called: Noonan spectrum disorder; rasopathies. Identifiers: Orphanet 536391, MedGen C5555857, MONDO:0021060.
Carcinoma of pancreas. Also called: Pancreatic cancer, somatic; Pancreatic carcinoma, somatic; PANCREATIC ACINAR CARCINOMA; PANCREATIC CARCINOMA; Exocrine pancreatic carcinoma. Identifiers: Orphanet 1333, Orphanet 217074, MedGen C0235974, MONDO:0005192. Disease mechanism: loss of function.
Nevus sebaceous. Also called: NEVUS SEBACEOUS, SOMATIC. Identifiers: MedGen C3854181, HP:0010815.
Linear nevus sebaceous syndrome. Also called: JADASSOHN NEVUS PHAKOMATOSIS; NEVUS SEBACEUS OF JADASSOHN; Linear nevus sebaceous; Linear sebaceous nevus sequence; ORGANOID NEVUS PHAKOMATOSIS; SFM SYNDROME. Identifiers: Orphanet 2612, MedGen C4552097, MONDO:0008097, OMIM 163200, HP:0010817.
Chronic myeloid leukemia. Also called: Chronic myelogenous leukemia, BCR-ABL1 positive; Chronic myelogenous leukemia. Identifiers: Orphanet 521, MedGen C0279543, MeSH D015464, MONDO:0011996, OMIM 608232, HP:0005506.
Non-small cell lung carcinoma (NSCLC). Also called: Non-small cell lung cancer. Identifiers: MedGen C0007131, MeSH D002289, MONDO:0005233, HP:0030358. Disease mechanism: Other.
Cerebral arteriovenous malformation (BAVM). Also called: CEREBRAL ARTERIOVENOUS MALFORMATIONS; Arteriovenous malformations of the brain. Identifiers: Orphanet 46724, MedGen C0917804, MONDO:0007154, OMIM 108010, HP:0002408.
Juvenile myelomonocytic leukemia (JMML). Also called: LEUKEMIA, JUVENILE MYELOMONOCYTIC, SOMATIC. Identifiers: Orphanet 86834, MedGen C0349639, MONDO:0011908, OMIM 607785, HP:0012209.
Ovarian mucinous adenocarcinoma. Identifiers: Orphanet 398961, MedGen C1335167, MONDO:0005601.
Adenocarcinoma of the large intestine. Identifiers: MedGen C1319315, MONDO:0005008, HP:0040275.
Colorectal cancer. Also called: Malignant Colorectal Neoplasm; Colorectal cancer, somatic. Identifiers: MedGen C0346629, MONDO:0005575, OMIM 114500.
Germinoma. Also called: Germinoma (disease). Identifiers: MedGen C0206660, MONDO:0002598, HP:0100620.
Neoplasm. Also called: tumor; Neoplasms; Neoplasm (disease). Identifiers: MedGen C0027651, MeSH D009369, MONDO:0005070, HP:0002664.

gnomAD v4.1: 1 of 1,612,866 alleles (0.000062%); highest among the groups gnomAD compares: Non-Finnish European, 0.000085%; no homozygotes.

Submissions 1 to 6 of 21:

Institute for Genomic Medicine (IGM) Clinical Laboratory, Nationwide Children's Hospital
Classification: Tier I - Strong for Ovarian mucinous adenocarcinoma. Assertion type: diagnostic. Clinical significance: supports diagnosis. Last evaluated: 2025-07-14. Review status: criteria provided, single submitter. Criteria: AMP/ASCO/CAP Guidelines, 2017. Collection method: clinical testing. Allele origin: somatic. Affected: yes.
Comment: Variant has Tier I (strong) clinical significance as a diagnostic inclusion criterion in ovarian mucinous adenocarcinoma, based on the following evidence: 1) Documented in one or more cancer databases (e.g., St. Jude Pecan, COSMIC, CIViC, OncoKB). 2) Appears in one or more well-established professional guidelines (e.g., World Health Organization [WHO]; National Comprehensive Cancer Network [NCCN]) as providing diagnostic, prognostic, or therapeutic information. 3) Information in the literature supports potential biologic effect of variant (PMIDs: 20147967, 20516123, 20570890, 25359494). 4) Diagnostic for a specific tumor type/classification based on well-powered studies with expert-level consensus (Evidence Level B; PMIDs: 23965232, 31477716, 26257827, 29793804).

PreventionGenetics, part of Exact Sciences
Classification: Pathogenic for KRAS-related condition. Last evaluated: 2025-06-24. Review status: criteria provided, single submitter. Criteria: ACMG Guidelines, 2015. Collection method: clinical testing. Allele origin: germline.
Comment: The KRAS c.35G>T variant is predicted to result in the amino acid substitution p.Gly12Val. This variant has been reported in multiple individuals with ovarian and colorectal cancer (Abdul Murad et al. 2012. PubMed ID: 22669205; Auner et al. 2009. PubMed ID: 19358724). This variant has been used as a positive control in cancer functional studies and results in little to no GTP-hydrolysis compared to wildtype (Gremer et al. 2010. PubMed ID: 20949621; Kiel et al. 2014. PubMed ID: 24803665). Alternate missense changes at the same amino acid position (p.Gly12Ser, p.Gly12Arg, p.Gly12Asp) have been reported to be pathogenic (Nava. 2007. PubMed ID: 17704260; Junk. 2024. PubMed ID: 38413718; Koorstra. 2008. PubMed ID: 18813118). This variant has not been reported in a large population database (gnomAD). This variant is interpreted as pathogenic.

GeneDx
Classification: Pathogenic. Last evaluated: 2025-04-03. Review status: criteria provided, single submitter. Criteria: GeneDx Variant Classification Process June 2021. Collection method: clinical testing. Allele origin: germline. Affected: yes.
Comment: Observed as a somatic variant in intracranial AVM specimens and sebaceous nevi (PMID: 31891627, 22683711, 23096712); Observed as a presumably somatic variant associated with malignancies including non-small cell lung cancer, pancreatic carcinoma, and ovarian carcinoma (PMID: 26372703, 22235099, 8439212, 19358724); Published functional studies demonstrated that G12V impaired function and enhanced downstream signaling (PMID: 20949621); The majority of missense variants in this gene are considered pathogenic (HGMD); In silico analysis supports that this missense variant has a deleterious effect on protein structure/function; This variant is associated with the following publications: (PMID: 15696205, 22669205, 21169357, 17384584, 2278970, 21975775, 25157968, 24803665, 23096712, 19047918, 19018267, 18316791, 17704260, 16618717, 19679400, 19075190, 29298116, 22897852, 22407852, 21398618, 21228335, 20609353, 19881948, 22683711, 22235099, 8439212, 19358724, 31891627, 26372703, 17875937, 29493581, 20949621)

Center for Genomic Medicine, Rigshospitalet, Copenhagen University Hospital
Classification: Oncogenic for Neoplasm. Last evaluated: 2025-03-04. Review status: criteria provided, single submitter. Criteria: ClinGen/CGC/VICC Guidelines for Oncogenicity, 2022. Collection method: clinical testing. Allele origin: somatic. Affected: yes.

Clinical Genomics Laboratory, Washington University in St. Louis
Classification: Pathogenic for Cerebral arteriovenous malformation. Last evaluated: 2024-12-09. Review status: criteria provided, single submitter. Criteria: Leon-Quintero et al. (Clin Genet. 2025). Collection method: clinical testing. Allele origin: somatic. Affected: yes.
Comment: The KRAS c.35G>T (p.Gly12Val) variant was identified at an allelic fraction consistent with somatic origin. This variant has been identified in multiple individuals with vascular malformations (Serio VB et al., PMID: 35807022; Palmieri M et al., PMID: 34617046; Ten Broek RW et al., PMID: 30677207; Al-Olabi L et al., PMID: 29461977). This variant has been reported in the ClinVar database as pathogenic by multiple submitters, including our laboratory, in both a germline and a somatic state (ClinVar Variation ID: 12583). It also has been reported in numerous cases in the cancer databases COSMIC (Genomic Mutation ID: COSV55497419). This variant is only observed on 1/1,612,866 alleles in the general population (gnomAD v4.1.0), indicating it is not a common variant. The KRAS c.35G>T (p.Gly12Val) variant resides within the switch I region of KRAS that is defined as a critical functional domain (Pacold ME et al., PMID: 11136978). Computational predictors indicate that the variant is damaging, evidence that correlates with impact to KRAS function. In support of this prediction, functional studies using animal models show that this variant induces vascular malformation phenotypes similar to those observed in humans (Fish JE et al., PMID: 32552404). The KRAS gene is defined by ClinGen RASopathy Expert Panel as a gene that has a low rate of benign missense variation and where pathogenic missense variants are a common mechanism of disease (Gelb BD et al., PMID: 2949358). Based on available information and an internally developed protocol informed by the ACMG/AMP guidelines for variant interpretation and gene-specific practices from the ClinGen Criteria Specification Registry (Leon-Quintero FZ et al., PMID: 39434542), KRAS c.35G>T (p.Gly12Val) variant is classified as pathogenic.

Institute for Genomic Medicine (IGM) Clinical Laboratory, Nationwide Children's Hospital
Classification: Tier I - Strong for Germinoma. Assertion type: diagnostic. Clinical significance: supports diagnosis. Last evaluated: 2024-09-22. Review status: criteria provided, single submitter. Criteria: AMP/ASCO/CAP Guidelines, 2017. Collection method: clinical testing. Allele origin: somatic. Affected: yes.
Comment: Variant has Tier I (strong) clinical significance as a diagnostic inclusion criterion in germinoma, based on the following evidence: 1) Documented in one or more cancer databases (e.g., St. Jude Pecan, COSMIC, CIViC, OncoKB). 2) Appears in one or more well-established professional guidelines (e.g., World Health Organization [WHO]; National Comprehensive Cancer Network [NCCN]) as providing diagnostic, prognostic, or therapeutic information. 3) Information in the literature supports potential biologic effect of variant (PMIDs: 20147967, 20516123, 20570890, 25359494). 4) Diagnostic for a specific tumor type/classification based on well-powered studies with expert-level consensus (Evidence Level B; PMIDs: 24896186, 27391150, 24452629).